The following is an entry in ClinVar:

ClinVar aggregate classification (germline): Conflicting classifications of pathogenicity. Review status: criteria provided, conflicting classifications (1 of 4 stars). 4 submissions from 4 submitters: Pathogenic (1); Likely pathogenic (1); Uncertain significance (2). Last evaluated 2025-07-09.

Conditions:
Cardiovascular phenotype. Identifiers: MedGen CN230736.
MYH7-related disorder. Also called: MYH7-related condition; MYH7-related disease; MYH7-related disorders.
Hypertrophic cardiomyopathy. Also called: HYPERTROPHIC MYOCARDIOPATHY. Identifiers: Orphanet 217569, MedGen C0007194, MeSH D002312, MONDO:0005045, HP:0001639.

Submissions (4):

Ambry Genetics
Classification: Uncertain significance for Cardiovascular phenotype. Last evaluated: 2025-07-09. Review status: criteria provided, single submitter. Criteria: Ambry Variant Classification Scheme 2023. Collection method: clinical testing. Allele origin: germline.
Comment: The p.E1619K variant (also known as c.4855G>A), located in coding exon 32 of the MYH7 gene, results from a G to A substitution at nucleotide position 4855. The glutamic acid at codon 1619 is replaced by lysine, an amino acid with similar properties. This variant was reported in individual(s) with features consistent with dilated cardiomyopathy (Hershberger RE et al. Clin Transl Sci, 2008 May;1:21-6; Rampersaud E et al. Prog Pediatr Cardiol, 2011 Jan;31:39-47; Lian H et al. J Transl Med, 2023 Jul;21:476; Ambry internal data). This amino acid position is highly conserved in available vertebrate species. In addition, this alteration is predicted to be deleterious by in silico analysis. Based on the available evidence, the clinical significance of this variant remains unclear.

Blueprint Genetics
Classification: Likely pathogenic for MYH7-related disorders. Last evaluated: 2022-04-25. Review status: criteria provided, single submitter. Criteria: ACMG Guidelines, 2015. Collection method: clinical testing. Allele origin: germline. Affected: yes. Observed: 2 variant alleles.

Labcorp Genetics (formerly Invitae), Labcorp
Classification: Uncertain significance for Hypertrophic cardiomyopathy. Last evaluated: 2016-10-23. Review status: criteria provided, single submitter. Criteria: Invitae Variant Classification Sherloc (09022015). Collection method: clinical testing. Allele origin: germline.
Comment: This sequence change replaces glutamic acid with lysine at codon 1619 of the MYH7 protein (p.Glu1619Lys). The glutamic acid residue is highly conserved and there is a small physicochemical difference between glutamic acid and lysine. This variant is not present in population databases (ExAC no frequency) . This variant has been reported in an individual affected with dilated cardiomyopathy. Currently there is insufficient evidence to conclude whether this variant segregates with disease or not (PMID: 21483645). This variant was also reported in an individual affected with motor neuropathy (PMID: 27387980). However, one pathogenic allele was identified in the MYH7 gene, which suggests that this c.4855G>A substitution in MYH7 was not the primary cause of disease in this individual, ClinVar contains an entry for this variant (Variation ID: 181268). A computational algorithm designed to assess the pathogenicity of variants in MYH7 with regard to hypertrophic cardiomyopathy predicted this sequence change to be deleterious. The algorithm has a sensitivity of 94% and a specificity of 89% (PMID: 21310275). In summary this variant is a rare sequence change with an uncertain effect on protein function, without additional functional and/or genetic data, this variant has been classified as a variant of Uncertain Significance.

GeneDx
Classification: Pathogenic. Last evaluated: 2014-01-23. Review status: criteria provided, single submitter. Criteria: GeneDx Variant Classification (06012015). Collection method: clinical testing. Allele origin: germline. Affected: yes.
Comment: p.Glu1619Lys (GAA>AAA): c.4855 G>A in exon 34 of the MYH7 gene (NM_000257.2). The father, paternal aunt, and two paternal cousins once removed were reported to have DCM, however these individuals were not available for genetic testing (Rampersaud E et al., 2011). E1619K is a non-conservative amino acid substitution as these residues differ in polarity, charge, size and/or other properties and is more likely to impact secondary structure. The E1619 residue is highly conserved across species. Mutations in nearby residues (R1608P, R1634C) have been reported in association with cardiomyopathy, further supporting the functional importance of this region of the protein. Additionally, the E1619K mutation was not observed inapproximately 6500 individuals of European and African American ancestry in the NHLBI Exome Sequencing Project, indicating it is not a common benign variant in these populations. In summary, E1619K in the MYH7 gene is interpreted as a disease-causing mutation. The variant is found in DCM-CRDM panel(s).

Literature cited by the submitters: PubMed 19412328 (cited by Ambry Genetics); PubMed 21483645 (cited by Ambry Genetics and Labcorp Genetics (formerly Invitae), Labcorp); PubMed 27387980 (cited by Ambry Genetics and Labcorp Genetics (formerly Invitae), Labcorp); PubMed 37461109 (cited by Ambry Genetics); PubMed 21310275 (cited by Labcorp Genetics (formerly Invitae), Labcorp).

NM_000257.4(MYH7):c.4855G>A (p.Glu1619Lys)

Genes: MHRT (myosin heavy chain associated RNA transcript; plus strand), MYH7 (myosin heavy chain 7; minus strand), LOC126861897 (BRD4-independent group 4 enhancer GRCh37_chr14:23884455-23885654; plus strand). Cytogenetic location: 14q11.2.
Variant type: single nucleotide variant.
Coding change: c.4855G>A on transcript NM_000257.4 (MANE Select); coding-DNA position 4855, G replaced by A.
Protein change: p.Glu1619Lys; replaces glutamic acid 1619 with lysine.
Molecular consequence: missense variant. On other transcripts: non-coding transcript variant (1).
Genome position (GRCh38, 1-based): chr14:23,416,102, C>T on the plus strand (G>A on the coding strand, the complement: MYH7 is on the minus strand). VCF-style: chr14-23416102-C-T. GRCh37 (hg19) VCF-style: chr14-23885311-C-T.
Other names: p.E1619K:GAA>AAA; c.4855G>A (LRG_384t1); short protein forms E1619K.
Identifiers: ClinVar variation 181268 (VCV000181268.12), dbSNP rs45442096, ClinGen allele CA015416.